The following is an entry in ClinVar:

ClinVar aggregate classification (germline): Uncertain significance (1 of 4 stars; one submission).

Conditions:
Cardiomyopathy (CMYO). Also called: Cardiomyopathies. Identifiers: Orphanet 167848, MedGen C0878544, MONDO:0004994, HP:0001638. Inheritance: Various modes of inheritance.

Submission:

Color Diagnostics, LLC DBA Color Health
Classification: Uncertain significance for Cardiomyopathy. Last evaluated: 2023-12-05. Review status: criteria provided, single submitter. Criteria: ACMG Guidelines, 2015. Collection method: clinical testing. Allele origin: germline.
Comment: This missense variant replaces phenylalanine with leucine at codon 3835 of the RYR2 protein. Computational prediction tools and conservation analyses are inconclusive regarding the impact of this variant on the protein function. Computational splicing tools suggest that this variant may not impact RNA splicing. To our knowledge, functional assays have not been performed for this variant nor has this variant been reported in individuals affected with cardiovascular disorders in the literature. This variant has not been identified in the general population by the Genome Aggregation Database (gnomAD). Available evidence is insufficient to determine the role of this variant in disease conclusively. Therefore, this variant is classified as a Variant of Uncertain Significance.

NM_001035.3(RYR2):c.11503T>C (p.Phe3835Leu)

Gene: RYR2 (ryanodine receptor 2; plus strand). Cytogenetic location: 1q43.
Variant type: single nucleotide variant.
Coding change: c.11503T>C on transcript NM_001035.3 (MANE Select); coding-DNA position 11503, T replaced by C.
Protein change: p.Phe3835Leu; replaces phenylalanine 3835 with leucine.
Molecular consequence: missense variant.
Genome position (GRCh38, 1-based): chr1:237,770,833, T>C. VCF-style: chr1-237770833-T-C. GRCh37 (hg19) VCF-style: chr1-237934133-T-C.
Other names: short protein forms F3835L.
Identifiers: ClinVar variation 919360 (VCV000919360.5), dbSNP rs1694211408, ClinGen allele CA345406676.